The following is an entry in ClinVar:

ClinVar aggregate classification (germline): Uncertain significance (1 of 4 stars; one submission).

Conditions:
Periodic fever-infantile enterocolitis-autoinflammatory syndrome. Also called: Autoinflammation with infantile enterocolitis. Identifiers: Orphanet 436166, MedGen C4015067, MONDO:0014472, OMIM 616050.
Familial cold autoinflammatory syndrome 4 (FCAS4). Identifiers: Orphanet 47045, Orphanet 576349, MedGen C4015276, MONDO:0014498, OMIM 616115.

Allele frequency attached by ClinVar (database versions not stated): gnomAD exomes 0.00001.
gnomAD v4.1: 18 of 1,614,210 alleles (0.0011%); highest among the groups gnomAD compares: Non-Finnish European, 0.0014%; no homozygotes.

Submission:

Labcorp Genetics (formerly Invitae), Labcorp
Classification: Uncertain significance for Periodic fever-infantile enterocolitis-autoinflammatory syndrome; Familial cold autoinflammatory syndrome 4. Last evaluated: 2023-10-05. Review status: criteria provided, single submitter. Criteria: Invitae Variant Classification Sherloc (09022015). Collection method: clinical testing. Allele origin: germline.
Comment: This sequence change replaces threonine, which is neutral and polar, with isoleucine, which is neutral and non-polar, at codon 661 of the NLRC4 protein (p.Thr661Ile). This variant is not present in population databases (gnomAD no frequency). This variant has not been reported in the literature in individuals affected with NLRC4-related conditions. Advanced modeling of protein sequence and biophysical properties (such as structural, functional, and spatial information, amino acid conservation, physicochemical variation, residue mobility, and thermodynamic stability) performed at Invitae indicates that this missense variant is not expected to disrupt NLRC4 protein function. In summary, the available evidence is currently insufficient to determine the role of this variant in disease. Therefore, it has been classified as a Variant of Uncertain Significance.

NM_001199138.2(NLRC4):c.1982C>T (p.Thr661Ile)

Gene: NLRC4 (NLR family CARD domain containing 4; minus strand). Cytogenetic location: 2p22.3.
Variant type: single nucleotide variant.
Coding change: c.1982C>T on transcript NM_001199138.2 (MANE Select); coding-DNA position 1982, C replaced by T.
Protein change: p.Thr661Ile; replaces threonine 661 with isoleucine.
Molecular consequence: missense variant. On other transcripts: intron variant (1).
Genome position (GRCh38, 1-based): chr2:32,249,882, G>A on the plus strand (C>T on the coding strand, the complement: NLRC4 is on the minus strand). VCF-style: chr2-32249882-G-A. GRCh37 (hg19) VCF-style: chr2-32474951-G-A.
Other names: c.1982C>T, p.Thr661Ile (NM_001199139.2, NM_021209.5); c.262+2537C>T (NM_001302504.1); short protein forms T661I.
Identifiers: ClinVar variation 2952587 (VCV002952587.3), dbSNP rs2466757104, ClinGen allele CA346511264.